The following is an entry in ClinVar:

NM_178452.6(DNAAF1):c.2176T>C (p.Ter726Gln)

Gene: DNAAF1 (dynein axonemal assembly factor 1; plus strand). Cytogenetic location: 16q24.1.
Variant type: single nucleotide variant.
Coding change: c.2176T>C on transcript NM_178452.6 (MANE Select); coding-DNA position 2176, T replaced by C.
Protein change: p.Ter726Gln.
Molecular consequence: stop lost.
Genome position (GRCh38, 1-based): chr16:84,177,839, T>C. VCF-style: chr16-84177839-T-C. GRCh37 (hg19) VCF-style: chr16-84211445-T-C.
Other names: c.1468T>C, p.Ter490Gln (NM_001318756.1).
Identifiers: ClinVar variation 2626436 (VCV002626436.2), dbSNP rs962153209, ClinGen allele CA285532346.

ClinVar aggregate classification (germline): Uncertain significance (1 of 4 stars; one submission).

Conditions:
Primary ciliary dyskinesia. Also called: Ciliary dyskinesia. Identifiers: Orphanet 244, MedGen C0008780, MONDO:0016575, HP:0012265.

Allele frequency attached by ClinVar (database versions not stated): gnomAD 0.00001; TOPMed 0.00001; gnomAD exomes 0.00002.

Submission:

Ambry Genetics
Classification: Uncertain significance for Primary ciliary dyskinesia. Last evaluated: 2023-07-26. Review status: criteria provided, single submitter. Criteria: Ambry Variant Classification Scheme 2023. Collection method: clinical testing. Allele origin: germline.
Comment: The c.2176T>C variant (also known as p.*726Qext*31), located in coding exon 12 of the DNAAF1 gene, results from a T to C substitution at nucleotide position 2176. This alteration disrupts the stop codon of the DNAAF1 gene and is predicted to preserve the native sequence while resulting in the elongation of the protein by 32 amino acids. The exact functional effect of the additional amino acids is unknown. This variant is considered to be rare based on population cohorts in the Genome Aggregation Database (gnomAD). Since supporting evidence is limited at this time, the clinical significance of this alteration remains unclear.